The following is an entry in ClinVar:

NM_020884.7(MYH7B):c.2271C>G (p.Asp757Glu)

Gene: MYH7B (myosin heavy chain 7B; plus strand). Cytogenetic location: 20q11.22.
Variant type: single nucleotide variant.
Coding change: c.2271C>G on transcript NM_020884.7 (MANE Select); coding-DNA position 2271, C replaced by G.
Protein change: p.Asp757Glu; replaces aspartic acid 757 with glutamic acid.
Molecular consequence: missense variant.
Genome position (GRCh38, 1-based): chr20:34,993,189, C>G. VCF-style: chr20-34993189-C-G. GRCh37 (hg19) VCF-style: chr20-33580992-C-G.
Other names: short protein forms D757E.
Identifiers: ClinVar variation 3609794 (VCV003609794.2).

ClinVar aggregate classification (germline): Uncertain significance (1 of 4 stars; one submission).

gnomAD v4.1: 1 of 1,613,912 alleles (0.000062%); highest among the groups gnomAD compares: East Asian, 0.0022%; no homozygotes.

Submission:

Labcorp Genetics (formerly Invitae), Labcorp
Classification: Uncertain significance. Last evaluated: 2024-10-28. Review status: criteria provided, single submitter. Criteria: Invitae Variant Classification Sherloc (09022015). Collection method: clinical testing. Allele origin: germline.
Comment: This sequence change replaces aspartic acid, which is acidic and polar, with glutamic acid, which is acidic and polar, at codon 799 of the MYH7B protein (p.Asp799Glu). This variant is present in population databases (rs762426179, gnomAD 0.01%). This missense change has been observed in individual(s) with MYH7B-related conditions (PMID: 32207065). Invitae Evidence Modeling of protein sequence and biophysical properties (such as structural, functional, and spatial information, amino acid conservation, physicochemical variation, residue mobility, and thermodynamic stability) indicates that this missense variant is not expected to disrupt MYH7B protein function with a negative predictive value of 80%. In summary, the available evidence is currently insufficient to determine the role of this variant in disease. Therefore, it has been classified as a Variant of Uncertain Significance.

Literature cited by the submitters: PubMed 32207065.